The following is an entry in ClinVar:

NM_000168.6(GLI3):c.898_900dup (p.Ser300_Asp301insSer)

Gene: GLI3 (GLI family zinc finger 3; minus strand). Cytogenetic location: 7p14.1.
Variant type: Duplication.
Coding change: c.898_900dup on transcript NM_000168.6 (MANE Select); coding-DNA positions 898 to 900, 3 bases duplicated (TCC; older notation c.898_900dupTCC).
Protein change: p.Ser300_Asp301insSer.
Molecular consequence: inframe insertion.
Genome position (GRCh38, 1-based): chr7:42,040,166-42,040,168, GGA duplicated on the plus strand (TCC on the coding strand, the reverse complement: GLI3 is on the minus strand); duplicating any 3 consecutive bases within chr7:42,040,166-42,040,169 gives the same sequence; the c. name uses the placement nearest the transcript's 3' end. VCF-style (leftmost placement, unchanged base first): chr7-42040165-C-CGGA. GRCh37 (hg19) VCF-style: chr7-42079764-C-CGGA.
Identifiers: ClinVar variation 1810428 (VCV001810428.1), dbSNP rs2484693245, ClinGen allele CA2580077117.

ClinVar aggregate classification (germline): Uncertain significance (1 of 4 stars; one submission).

Submission:

GeneDx
Classification: Uncertain significance. Last evaluated: 2022-07-07. Review status: criteria provided, single submitter. Criteria: GeneDx Variant Classification Process June 2021. Collection method: clinical testing. Allele origin: germline. Affected: yes.
Comment: Not observed at significant frequency in large population cohorts (gnomAD); In-frame insertion of 1 amino acids in a non-repeat region; Has not been previously published as pathogenic or benign to our knowledge